The following is an entry in ClinVar:

ClinVar aggregate classification (germline): Benign/Likely benign. Review status: criteria provided, multiple submitters, no conflicts (2 of 4 stars). 2 submissions from 2 submitters: Benign (1); Likely benign (1). Last evaluated 2025-07-27.

Conditions:
Heterotopia, periventricular, X-linked dominant (PVNH1). Also called: PERIVENTRICULAR NODULAR HETEROTOPIA 1; X-linked periventricular heterotopia; PERIVENTRICULAR NODULAR HETEROTOPIA 4; HETEROTOPIA, PERIVENTRICULAR, 1. Identifiers: Orphanet 2149, Orphanet 82004, MedGen C1848213, MONDO:0010233, OMIM 300049.
Oto-palato-digital syndrome, type II (OPD2). Also called: FACIOPALATOOSSEOUS SYNDROME; OPD II SYNDROME; Otopalatodigital Syndrome Type 2 (FLNA-OPD2); Otopalatodigital Syndrome, Type II. Identifiers: Orphanet 669, Orphanet 90652, MedGen C1844696, MONDO:0010571, OMIM 304120.
Frontometaphyseal dysplasia (FMD1). Identifiers: Orphanet 1826, MedGen C0265293, MONDO:0015942.
Melnick-Needles syndrome (MNS). Also called: MELNICK-NEEDLES OSTEODYSPLASTY; OSTEODYSPLASTY OF MELNICK AND NEEDLES; Melnick-Needles Syndrome (FLNA-MNS). Identifiers: Orphanet 2484, MedGen C0025237, MONDO:0010650, OMIM 309350.

Allele frequency attached by ClinVar (database versions not stated): gnomAD 0.00001; gnomAD exomes 0.00001 and 0.00003; ExAC 0.00003; TOPMed 0.00003; ESP Exome Variant Server 0.00010; 1000 Genomes Project 30x 0.00021; 1000 Genomes Project 0.00026.
gnomAD v4.1: 11 of 1,210,388 alleles (0.00091%); highest among the groups gnomAD compares: East Asian, 0.003%; no homozygotes.

Submissions (2):

Labcorp Genetics (formerly Invitae), Labcorp
Classification: Benign for Oto-palato-digital syndrome, type II; Heterotopia, periventricular, X-linked dominant; Frontometaphyseal dysplasia; Melnick-Needles syndrome. Last evaluated: 2025-07-27. Review status: criteria provided, single submitter. Criteria: Invitae Variant Classification Sherloc (09022015). Collection method: clinical testing. Allele origin: germline.

GeneDx
Classification: Likely benign. Last evaluated: 2018-03-07. Review status: criteria provided, single submitter. Criteria: GeneDx Variant Classification (06012015). Collection method: clinical testing. Allele origin: germline. Affected: yes.
Comment: This variant is considered likely benign or benign based on one or more of the following criteria: it is a conservative change, it occurs at a poorly conserved position in the protein, it is predicted to be benign by multiple in silico algorithms, and/or has population frequency not consistent with disease.

NM_001110556.2(FLNA):c.6446G>A (p.Arg2149Gln)

Gene: FLNA (filamin A; minus strand). Cytogenetic location: Xq28.
Variant type: single nucleotide variant.
Coding change: c.6446G>A on transcript NM_001110556.2 (MANE Select); coding-DNA position 6446, G replaced by A.
Protein change: p.Arg2149Gln; replaces arginine 2149 with glutamine.
Molecular consequence: missense variant.
Genome position (GRCh38, 1-based): chrX:154,352,609, C>T on the plus strand (G>A on the coding strand, the complement: FLNA is on the minus strand). VCF-style: chrX-154352609-C-T. GRCh37 (hg19) VCF-style: chrX-153580977-C-T.
Other names: c.6422G>A, p.Arg2141Gln (NM_001456.4); short protein forms R2141Q, R2149Q.
Identifiers: ClinVar variation 452842 (VCV000452842.6), dbSNP rs201932105, ClinGen allele CA10560085.